The following is an entry in ClinVar:

ClinVar aggregate classification (germline): Conflicting classifications of pathogenicity. Review status: criteria provided, conflicting classifications (1 of 4 stars). 2 submissions from 2 submitters: Likely pathogenic (1); Uncertain significance (1). Last evaluated 2026-01-26.

Conditions:
Recessive dystrophic epidermolysis bullosa (RDEB). Also called: Recessive DEB (RDEB); DYSTROPHIC EPIDERMOLYSIS BULLOSA, AUTOSOMAL RECESSIVE; EPIDERMOLYSIS BULLOSA DYSTROPHICA, HALLOPEAU-SIEMENS TYPE; epidermolysis bullosa dystrophica, autosomal recessive; Hallopeau-Siemens Disease; severe generalized recessive dystrophic epidermolysis bullosa. Identifiers: Orphanet 79408, Orphanet 79409, MedGen C0079474, MONDO:0009179, OMIM 226600.

Allele frequency attached by ClinVar (database versions not stated): gnomAD exomes below 0.00001.
gnomAD v4.1: 1 of 1,613,774 alleles (0.000062%); no homozygotes.

Submissions (2):

Myriad Genetics, Inc.
Classification: Uncertain significance for Recessive dystrophic epidermolysis bullosa. Last evaluated: 2026-01-26. Review status: criteria provided, single submitter. Criteria: Myriad Autosomal Dominant, Autosomal Recessive and X-Linked Classification Criteria (2023). Collection method: clinical testing. Allele origin: unknown.
Comment: NM_000094.3(COL7A1):c.4279-1G>A is a variant in a canonical splice site classified as a variant of uncertain significance in the context of dystrophic epidermolysis bullosa. c.4279-1G>A has not been observed in cases with relevant disease. Relevant functional assessments of this variant are not available in the literature. c.4279-1G>A has been observed in referenced population frequency databases. In summary, there is insufficient evidence to classify NM_000094.3(COL7A1):c.4279-1G>A as pathogenic or benign. Please note: this variant was assessed in the context of healthy population screening.

Labcorp Genetics (formerly Invitae), Labcorp
Classification: Likely pathogenic. Last evaluated: 2024-01-31. Review status: criteria provided, single submitter. Criteria: Invitae Variant Classification Sherloc (09022015). Collection method: clinical testing. Allele origin: germline.
Comment: This sequence change affects an acceptor splice site in intron 38 of the COL7A1 gene. It is expected to disrupt RNA splicing. Variants that disrupt the donor or acceptor splice site typically lead to a loss of protein function (PMID: 16199547), and loss-of-function variants in COL7A1 are known to be pathogenic (PMID: 16971478). This variant is present in population databases (no rsID available, gnomAD 0.01%). This variant has not been reported in the literature in individuals affected with COL7A1-related conditions. Algorithms developed to predict the effect of sequence changes on RNA splicing suggest that this variant may disrupt the consensus splice site. In summary, the currently available evidence indicates that the variant is pathogenic, but additional data are needed to prove that conclusively. Therefore, this variant has been classified as Likely Pathogenic.

Literature cited by the submitters: PubMed 16199547 (cited by Labcorp Genetics (formerly Invitae), Labcorp); PubMed 16971478 (cited by Labcorp Genetics (formerly Invitae), Labcorp).

NM_000094.4(COL7A1):c.4279-1G>A

Gene: COL7A1 (collagen type VII alpha 1 chain; minus strand). Cytogenetic location: 3p21.31.
Variant type: single nucleotide variant.
Coding change: c.4279-1G>A on transcript NM_000094.4 (MANE Select); the canonical splice acceptor site of the intron before coding-DNA position 4279, G replaced by A.
Molecular consequence: splice acceptor variant.
Genome position (GRCh38, 1-based): chr3:48,583,781, C>T on the plus strand (G>A on the coding strand, the complement: COL7A1 is on the minus strand). VCF-style: chr3-48583781-C-T. GRCh37 (hg19) VCF-style: chr3-48621214-C-T.
Identifiers: ClinVar variation 2726665 (VCV002726665.4), dbSNP rs1371527013, ClinGen allele CA352693797.